The following is an entry in ClinVar:

ClinVar aggregate classification (germline): Uncertain significance. Review status: criteria provided, multiple submitters, no conflicts (2 of 4 stars). 3 submissions from 3 submitters: Uncertain significance (3). Last evaluated 2025-06-18.

Conditions:
Hajdu-Cheney syndrome (HJCYS). Also called: ACROOSTEOLYSIS WITH OSTEOPOROSIS AND CHANGES IN SKULL AND MANDIBLE; SERPENTINE FIBULA-POLYCYSTIC KIDNEY SYNDROME; Acroosteolysis dominant type. Identifiers: Orphanet 955, MedGen C0917715, MONDO:0007057, OMIM 102500.
Alagille syndrome due to a NOTCH2 point mutation. Also called: Alagille syndrome 2. Identifiers: Orphanet 261629, Orphanet 52, MedGen C1857761, MONDO:0012439, OMIM 610205.

Allele frequency attached by ClinVar (database versions not stated): gnomAD exomes 0.00002; TOPMed 0.00003; gnomAD 0.00004.
gnomAD v4.1: 51 of 1,614,042 alleles (0.0032%); highest among the groups gnomAD compares: African/African-American, 0.0067%; no homozygotes.

Submissions (5):

Labcorp Genetics (formerly Invitae), Labcorp
Classification: Uncertain significance for Hajdu-Cheney syndrome. Last evaluated: 2025-06-18. Review status: criteria provided, single submitter. Criteria: Invitae Variant Classification Sherloc (09022015). Collection method: clinical testing. Allele origin: germline.
Comment: This sequence change replaces arginine, which is basic and polar, with glutamine, which is neutral and polar, at codon 2019 of the NOTCH2 protein (p.Arg2019Gln). This variant is present in population databases (rs201446896, gnomAD 0.01%). This variant has not been reported in the literature in individuals affected with NOTCH2-related conditions. ClinVar contains an entry for this variant (Variation ID: 196923). Invitae Evidence Modeling of protein sequence and biophysical properties (such as structural, functional, and spatial information, amino acid conservation, physicochemical variation, residue mobility, and thermodynamic stability) has been performed for this missense variant. However, the output from this modeling did not meet the statistical confidence thresholds required to predict the impact of this variant on NOTCH2 protein function. Algorithms developed to predict the effect of sequence changes on RNA splicing suggest that this variant may create or strengthen a splice site. In summary, the available evidence is currently insufficient to determine the role of this variant in disease. Therefore, it has been classified as a Variant of Uncertain Significance.

Fulgent Genetics
Classification: Uncertain significance for Hajdu-Cheney syndrome; Alagille syndrome due to a NOTCH2 point mutation. Last evaluated: 2024-04-04. Review status: criteria provided, single submitter. Criteria: ACMG Guidelines, 2015. Collection method: clinical testing. Allele origin: germline.

Eurofins Ntd Llc (ga)
Classification: Uncertain significance. Last evaluated: 2015-04-23. Review status: criteria provided, single submitter. Criteria: EGL Classification Definitions 2015. Collection method: clinical testing. Allele origin: germline. Observed: 1 variant allele, 1 heterozygote.

Dr. Peter K. Rogan Lab, Western University
No classification provided (evidence only). Condition: Clear cell carcinoma of kidney. Review status: no classification provided. Collection method: in vitro. Allele origin: not applicable. Functional consequence: retained intron. Not counted in ClinVar's aggregate classification.

Dr. Peter K. Rogan Lab, Western University
No classification provided (evidence only). Condition: Papillary renal cell carcinoma type 1. Review status: no classification provided. Collection method: in vitro. Allele origin: not applicable. Functional consequence: retained intron. Not counted in ClinVar's aggregate classification.

NM_024408.4(NOTCH2):c.6056G>A (p.Arg2019Gln)

Gene: NOTCH2 (notch receptor 2; minus strand). Cytogenetic location: 1p12.
Variant type: single nucleotide variant.
Coding change: c.6056G>A on transcript NM_024408.4 (MANE Select); coding-DNA position 6056, G replaced by A.
Protein change: p.Arg2019Gln; replaces arginine 2019 with glutamine.
Molecular consequence: missense variant.
Genome position (GRCh38, 1-based): chr1:119,916,666, C>T on the plus strand (G>A on the coding strand, the complement: NOTCH2 is on the minus strand). VCF-style: chr1-119916666-C-T. GRCh37 (hg19) VCF-style: chr1-120459289-C-T.
Other names: short protein forms R2019Q.
Identifiers: ClinVar variation 196923 (VCV000196923.14), dbSNP rs201446896, ClinGen allele CA244739.
Genomic context (GRCh38, chr1:119,916,666, plus strand): 5'-GTGATGTCTCGATTGGCAAAATGGTCTAACAGGATCTTGGCTGCTTCATAGCTCCCCTCC[C>T]GGGCAGCAAGAAACAGAGGTGTCTCTTCCTACAGAAAAGGCCCATCACAGAACACATGTT-3'
Protein context (NP_077719.2, residues 2009-2029): KEETPLFLAA[Arg2019Gln]EGSYEAAKIL